The following is an entry in ClinVar:

NM_000444.6(PHEX):c.1945G>T (p.Gly649Cys)

Genes: PHEX (phosphate regulating endopeptidase X-linked; plus strand), PTCHD1-AS (PTCHD1 and PHEX antisense RNA; minus strand). Cytogenetic location: Xp22.11.
Variant type: single nucleotide variant.
Coding change: c.1945G>T on transcript NM_000444.6 (MANE Select); coding-DNA position 1945, G replaced by T.
Protein change: p.Gly649Cys; replaces glycine 649 with cysteine.
Molecular consequence: missense variant.
Genome position (GRCh38, 1-based): chrX:22,226,488, G>T. VCF-style: chrX-22226488-G-T. GRCh37 (hg19) VCF-style: chrX-22244605-G-T.
Other names: c.1945G>T, p.Gly649Cys (NM_001282754.2); short protein forms G649C.
Identifiers: ClinVar variation 4813634 (VCV004813634.1).

ClinVar aggregate classification (germline): Likely pathogenic (1 of 4 stars; one submission).

Conditions:
Hypophosphataemia or rickets.

Submission:

Cambridge Genomics Laboratory, East Genomic Laboratory Hub, NHS Genomic Medicine Service
Classification: Likely pathogenic for Hypophosphataemia or rickets. Last evaluated: 2026-03-19. Review status: criteria provided, single submitter. Criteria: ACGS Best Practice Guidelines for Variant Classification in Rare Disease 2020. Collection method: clinical testing. Allele origin: germline. Affected: yes.
Comment: PS4_Supporting,PM1_Supporting,PM2,PM5_Supporting,PP3,PP4